The following is an entry in ClinVar:

NM_001378188.1(CCDC187):c.6055C>T (p.Pro2019Ser)

Genes: CCDC187 (coiled-coil domain containing 187; minus strand), LOC108254693 (9q34.3 QSOX2 distal recombination region; plus strand). Cytogenetic location: 9q34.3.
Variant type: single nucleotide variant.
Coding change: c.6055C>T on transcript NM_001378188.1 (MANE Select); coding-DNA position 6055, C replaced by T.
Protein change: p.Pro2019Ser; replaces proline 2019 with serine.
Molecular consequence: missense variant.
Genome position (GRCh38, 1-based): chr9:136,253,773, G>A on the plus strand (C>T on the coding strand, the complement: CCDC187 is on the minus strand). VCF-style: chr9-136253773-G-A. GRCh37 (hg19) VCF-style: chr9-139145619-G-A.
Other names: short protein forms P2019S.
Identifiers: ClinVar variation 2659728 (VCV002659728.24), dbSNP rs112827163, ClinGen allele CA201515098.

ClinVar aggregate classification (germline): Likely benign (1 of 4 stars; one submission).

Allele frequency attached by ClinVar (database versions not stated): 1000 Genomes Project 0.00100; 1000 Genomes Project 30x 0.00109; TOPMed 0.00131; gnomAD 0.00173; gnomAD exomes 0.00216.
gnomAD v4.1: 2,032 of 985,568 alleles (0.21%); highest among the groups gnomAD compares: Non-Finnish European, 0.23%; 2 homozygotes.

Submission:

CeGaT Center for Human Genetics Tuebingen
Classification: Likely benign. Last evaluated: 2022-07-01. Review status: criteria provided, single submitter. Criteria: CeGaT Center For Human Genetics Tuebingen Variant Classification Criteria Version 2. Collection method: clinical testing. Allele origin: germline. Affected: yes. Observed: 1 variant allele.
Comment: CCDC187: BP4, BP7